The following is an entry in ClinVar:

ClinVar aggregate classification (germline): Conflicting classifications of pathogenicity. Review status: criteria provided, conflicting classifications (1 of 4 stars). 5 submissions from 5 submitters: Uncertain significance (3); Likely benign (1). 1 of the submissions does not count toward it. Last evaluated 2025-02-21.

Conditions:
KMT2D-related disorder. Also called: KMT2D-Related Disorders.
Kabuki syndrome. Also called: NIIKAWA-KUROKI SYNDROME; Kabuki make-up syndrome. Identifiers: Orphanet 2322, MedGen C0796004, MONDO:0016512.
Inborn genetic diseases. Identifiers: MedGen C0950123, MeSH D030342.

Allele frequency attached by ClinVar (database versions not stated): gnomAD 0.00003; gnomAD exomes 0.00003; TOPMed 0.00003.
gnomAD v4.1: 50 of 1,597,268 alleles (0.0031%); highest among the groups gnomAD compares: Non-Finnish European, 0.004%; no homozygotes.

Submissions (5):

Women's Health and Genetics/Laboratory Corporation of America, LabCorp
Classification: Uncertain significance. Last evaluated: 2025-02-21. Review status: criteria provided, single submitter. Criteria: LabCorp Variant Classification Summary - May 2015. Collection method: clinical testing. Allele origin: germline.
Comment: Variant summary: KMT2D c.9485G>A (p.Gly3162Asp) results in a non-conservative amino acid change in the encoded protein sequence. Three of four in-silico tools predict a benign effect of the variant on protein function. The frequency data for this variant in gnomAD is considered unreliable, as metrics indicate poor data quality at this position. To our knowledge, no occurrence of c.9485G>A in individuals affected with Kabuki Syndrome 1 and no experimental evidence demonstrating its impact on protein function have been reported. ClinVar contains an entry for this variant (Variation ID: 1198867). Based on the evidence outlined above, the variant was classified as uncertain significance.

Labcorp Genetics (formerly Invitae), Labcorp
Classification: Uncertain significance for Kabuki syndrome. Last evaluated: 2024-10-17. Review status: criteria provided, single submitter. Criteria: Invitae Variant Classification Sherloc (09022015). Collection method: clinical testing. Allele origin: germline.
Comment: This sequence change replaces glycine, which is neutral and non-polar, with aspartic acid, which is acidic and polar, at codon 3162 of the KMT2D protein (p.Gly3162Asp). This variant is not present in population databases (gnomAD no frequency). This variant has not been reported in the literature in individuals affected with KMT2D-related conditions. ClinVar contains an entry for this variant (Variation ID: 1198867). Invitae Evidence Modeling of protein sequence and biophysical properties (such as structural, functional, and spatial information, amino acid conservation, physicochemical variation, residue mobility, and thermodynamic stability) indicates that this missense variant is not expected to disrupt KMT2D protein function with a negative predictive value of 95%. In summary, the available evidence is currently insufficient to determine the role of this variant in disease. Therefore, it has been classified as a Variant of Uncertain Significance.

Ambry Genetics
Classification: Uncertain significance for Inborn genetic diseases. Last evaluated: 2023-09-20. Review status: criteria provided, single submitter. Criteria: Ambry Variant Classification Scheme 2023. Collection method: clinical testing. Allele origin: germline.

GeneDx
Classification: Likely benign. Last evaluated: 2020-02-24. Review status: criteria provided, single submitter. Criteria: GeneDx Variant Classification Process June 2021. Collection method: clinical testing. Allele origin: germline. Affected: yes.
Comment: In silico analysis supports that this missense variant does not alter protein structure/function; Has not been previously published as pathogenic or benign to our knowledge

PreventionGenetics, part of Exact Sciences
Classification: Uncertain significance for KMT2D-related condition. Last evaluated: 2024-03-08. Review status: no assertion criteria provided. Collection method: clinical testing. Allele origin: germline. Not counted in ClinVar's aggregate classification.
Comment: The KMT2D c.9485G>A variant is predicted to result in the amino acid substitution p.Gly3162Asp. To our knowledge, this variant has not been reported in the literature or in a large population database, indicating this variant is rare. At this time, the clinical significance of this variant is uncertain due to the absence of conclusive functional and genetic evidence.

NM_003482.4(KMT2D):c.9485G>A (p.Gly3162Asp)

Gene: KMT2D (lysine methyltransferase 2D; minus strand). Cytogenetic location: 12q13.12.
Variant type: single nucleotide variant.
Coding change: c.9485G>A on transcript NM_003482.4 (MANE Select); coding-DNA position 9485, G replaced by A.
Protein change: p.Gly3162Asp; replaces glycine 3162 with aspartic acid.
Molecular consequence: missense variant.
Genome position (GRCh38, 1-based): chr12:49,037,871, C>T on the plus strand (G>A on the coding strand, the complement: KMT2D is on the minus strand). VCF-style: chr12-49037871-C-T. GRCh37 (hg19) VCF-style: chr12-49431654-C-T.
Other names: short protein forms G3162D.
Identifiers: ClinVar variation 1198867 (VCV001198867.13), dbSNP rs773802581, ClinGen allele CA6546687.